The following is an entry in ClinVar:

ClinVar aggregate classification (germline): Uncertain significance (1 of 4 stars; one submission).

Allele frequency attached by ClinVar (database versions not stated): TOPMed below 0.00001; gnomAD exomes 0.00001; ExAC 0.00002.
gnomAD v4.1: 9 of 1,613,964 alleles (0.00056%); highest among the groups gnomAD compares: Non-Finnish European, 0.00059%; no homozygotes.

Submission:

Labcorp Genetics (formerly Invitae), Labcorp
Classification: Uncertain significance. Last evaluated: 2021-09-24. Review status: criteria provided, single submitter. Criteria: Invitae Variant Classification Sherloc (09022015). Collection method: clinical testing. Allele origin: germline.
Comment: This sequence change replaces serine with proline at codon 85 of the IMPG1 protein (p.Ser85Pro). The serine residue is moderately conserved and there is a moderate physicochemical difference between serine and proline. This variant is present in population databases (rs760098979, ExAC 0.02%). This variant has not been reported in the literature in individuals affected with IMPG1-related conditions. Algorithms developed to predict the effect of missense changes on protein structure and function output the following: SIFT: "Deleterious"; PolyPhen-2: "Benign"; Align-GVGD: "Class C0". The proline amino acid residue is found in multiple mammalian species, which suggests that this missense change does not adversely affect protein function. In summary, the available evidence is currently insufficient to determine the role of this variant in disease. Therefore, it has been classified as a Variant of Uncertain Significance.

NM_001563.4(IMPG1):c.253T>C (p.Ser85Pro)

Gene: IMPG1 (interphotoreceptor matrix proteoglycan 1; minus strand). Cytogenetic location: 6q14.1.
Variant type: single nucleotide variant.
Coding change: c.253T>C on transcript NM_001563.4 (MANE Select); coding-DNA position 253, T replaced by C.
Protein change: p.Ser85Pro; replaces serine 85 with proline.
Molecular consequence: missense variant. On other transcripts: intron variant (1).
Genome position (GRCh38, 1-based): chr6:76,041,941, A>G on the plus strand (T>C on the coding strand, the complement: IMPG1 is on the minus strand). VCF-style: chr6-76041941-A-G. GRCh37 (hg19) VCF-style: chr6-76751658-A-G.
Other names: c.68-7154T>C (NM_001282368.2); short protein forms S85P.
Identifiers: ClinVar variation 1376920 (VCV001376920.6), dbSNP rs760098979, ClinGen allele CA3898601.